The following is an entry in ClinVar:

NM_001378454.1(ALMS1):c.11948C>T (p.Pro3983Leu)

Genes: ALMS1 (ALMS1 centrosome and basal body associated protein; plus strand), LOC126806252 (BRD4-independent group 4 enhancer GRCh37_chr2:73828496-73829695; plus strand). Cytogenetic location: 2p13.1.
Variant type: single nucleotide variant.
Coding change: c.11948C>T on transcript NM_001378454.1 (MANE Select); coding-DNA position 11948, C replaced by T.
Protein change: p.Pro3983Leu; replaces proline 3983 with leucine.
Molecular consequence: missense variant.
Genome position (GRCh38, 1-based): chr2:73,601,270, C>T. VCF-style: chr2-73601270-C-T. GRCh37 (hg19) VCF-style: chr2-73828397-C-T.
Other names: c.11951C>T, p.Pro3984Leu (NM_015120.4); short protein forms P3984L, P3983L.
Identifiers: ClinVar variation 1385149 (VCV001385149.5), dbSNP rs754031448, ClinGen allele CA347265870.

ClinVar aggregate classification (germline): Uncertain significance. Review status: criteria provided, multiple submitters, no conflicts (2 of 4 stars). 2 submissions from 2 submitters: Uncertain significance (2). Last evaluated 2025-12-20.

Conditions:
Alstrom syndrome (ALMS). Identifiers: Orphanet 64, MedGen C0268425, MONDO:0008763, OMIM 203800.

gnomAD v4.1: 4 of 1,614,236 alleles (0.00025%); highest among the groups gnomAD compares: African/African-American, 0.0013%; no homozygotes.

Submissions (2):

Labcorp Genetics (formerly Invitae), Labcorp
Classification: Uncertain significance for Alstrom syndrome. Last evaluated: 2025-12-20. Review status: criteria provided, single submitter. Criteria: Invitae Variant Classification Sherloc (09022015). Collection method: clinical testing. Allele origin: germline.
Comment: This sequence change replaces proline, which is neutral and non-polar, with leucine, which is neutral and non-polar, at codon 3984 of the ALMS1 protein (p.Pro3984Leu). This variant is not present in population databases (gnomAD no frequency). This missense change has been observed in individual(s) with ALMS1-related conditions (PMID: 31308072). This variant is also known as p.Pro3982Leu, c.11945C>T. ClinVar contains an entry for this variant (Variation ID: 1385149). Experimental studies and prediction algorithms are not available or were not evaluated, and the functional significance of this variant is currently unknown. In summary, the available evidence is currently insufficient to determine the role of this variant in disease. Therefore, it has been classified as a Variant of Uncertain Significance.

GeneDx
Classification: Uncertain significance. Last evaluated: 2024-01-29. Review status: criteria provided, single submitter. Criteria: GeneDx Variant Classification Process June 2021. Collection method: clinical testing. Allele origin: germline. Affected: yes.
Comment: Reported in an individual with focal and segmental glomerulosclerosis (PMID: 31308072); Not observed at significant frequency in large population cohorts (gnomAD); In silico analysis supports that this missense variant has a deleterious effect on protein structure/function; This variant is associated with the following publications: (PMID: 31308072)

Literature cited by the submitters: PubMed 31308072 (cited by Labcorp Genetics (formerly Invitae), Labcorp).